The following is an entry in ClinVar:

ClinVar aggregate classification (germline): Uncertain significance (1 of 4 stars; one submission).

Conditions:
Cardiovascular phenotype. Identifiers: MedGen CN230736.

Submission:

Ambry Genetics
Classification: Uncertain significance for Cardiovascular phenotype. Last evaluated: 2025-03-04. Review status: criteria provided, single submitter. Criteria: Ambry Variant Classification Scheme 2023. Collection method: clinical testing. Allele origin: germline.
Comment: The c.143+3A>G intronic variant results from an A to G substitution 3 nucleotides after coding exon 1 in the ABCG5 gene. This nucleotide position is highly conserved in available vertebrate species. In silico splice site analysis predicts that this alteration will not have any significant effect on splicing. Based on the available evidence, the clinical significance of this variant remains unclear.

NM_022436.3(ABCG5):c.143+3A>G

Gene: ABCG5 (ATP binding cassette subfamily G member 5; minus strand). Cytogenetic location: 2p21.
Variant type: single nucleotide variant.
Coding change: c.143+3A>G on transcript NM_022436.3 (MANE Select); 3 bases into the intron after coding-DNA position 143, A replaced by G.
Molecular consequence: intron variant.
Genome position (GRCh38, 1-based): chr2:43,838,534, T>C on the plus strand (A>G on the coding strand, the complement: ABCG5 is on the minus strand). VCF-style: chr2-43838534-T-C. GRCh37 (hg19) VCF-style: chr2-44065673-T-C.
Identifiers: ClinVar variation 3887151 (VCV003887151.1).